The following is an entry in ClinVar:

ClinVar aggregate classification (germline): Uncertain significance. Review status: criteria provided, multiple submitters, no conflicts (2 of 4 stars). 3 submissions from 3 submitters: Uncertain significance (3). Last evaluated 2025-06-19.

Conditions:
Ehlers-Danlos syndrome, dermatosparaxis type. Also called: EDS VIIC; Ehlers-Danlos syndrome, type VII, autosomal recessive; Dermatosparaxis. Identifiers: Orphanet 1901, MedGen C2700425, MONDO:0009161, OMIM 225410.
Inborn genetic diseases. Identifiers: MedGen C0950123, MeSH D030342.

Allele frequency attached by ClinVar (database versions not stated): ExAC 0.00002; TOPMed 0.00003; gnomAD 0.00004; gnomAD exomes 0.00004; 1000 Genomes Project 30x 0.00016; 1000 Genomes Project 0.00020.
gnomAD v4.1: 59 of 1,614,068 alleles (0.0037%); highest among the groups gnomAD compares: African/African-American, 0.008%; no homozygotes.

Submissions (3):

Ambry Genetics
Classification: Uncertain significance for Inborn genetic diseases. Last evaluated: 2025-06-19. Review status: criteria provided, single submitter. Criteria: Ambry Variant Classification Scheme 2023. Collection method: clinical testing. Allele origin: germline.

Women's Health and Genetics/Laboratory Corporation of America, LabCorp
Classification: Uncertain significance. Last evaluated: 2024-12-23. Review status: criteria provided, single submitter. Criteria: LabCorp Variant Classification Summary - May 2015. Collection method: clinical testing. Allele origin: germline.
Comment: Variant summary: ADAMTS2 c.3481G>A (p.Val1161Ile) results in a conservative amino acid change in the encoded protein sequence. Five of five in-silico tools predict a benign effect of the variant on protein function. The variant allele was found at a frequency of 2.4e-05 in 251496 control chromosomes. The available data on variant occurrences in the general population are insufficient to allow any conclusion about variant significance. To our knowledge, no occurrence of c.3481G>A in individuals affected with Ehlers-Danlos syndrome, dermatosparaxis type and no experimental evidence demonstrating its impact on protein function have been reported. ClinVar contains an entry for this variant (Variation ID: 2039262). Based on the evidence outlined above, the variant was classified as uncertain significance.

Labcorp Genetics (formerly Invitae), Labcorp
Classification: Uncertain significance for Ehlers-Danlos syndrome, dermatosparaxis type. Last evaluated: 2021-12-27. Review status: criteria provided, single submitter. Criteria: Invitae Variant Classification Sherloc (09022015). Collection method: clinical testing. Allele origin: germline.
Comment: This sequence change replaces valine, which is neutral and non-polar, with isoleucine, which is neutral and non-polar, at codon 1161 of the ADAMTS2 protein (p.Val1161Ile). This variant is present in population databases (rs190267616, gnomAD 0.01%). This variant has not been reported in the literature in individuals affected with ADAMTS2-related conditions. Algorithms developed to predict the effect of missense changes on protein structure and function are either unavailable or do not agree on the potential impact of this missense change (SIFT: "Deleterious"; PolyPhen-2: "Benign"; Align-GVGD: "Class C0"). In summary, the available evidence is currently insufficient to determine the role of this variant in disease. Therefore, it has been classified as a Variant of Uncertain Significance.

NM_014244.5(ADAMTS2):c.3481G>A (p.Val1161Ile)

Gene: ADAMTS2 (ADAM metallopeptidase with thrombospondin type 1 motif 2; minus strand). Cytogenetic location: 5q35.3.
Variant type: single nucleotide variant.
Coding change: c.3481G>A on transcript NM_014244.5 (MANE Select); coding-DNA position 3481, G replaced by A.
Protein change: p.Val1161Ile; replaces valine 1161 with isoleucine.
Molecular consequence: missense variant.
Genome position (GRCh38, 1-based): chr5:179,114,022, C>T on the plus strand (G>A on the coding strand, the complement: ADAMTS2 is on the minus strand). VCF-style: chr5-179114022-C-T. GRCh37 (hg19) VCF-style: chr5-178541023-C-T.
Other names: c.3481G>A (NM_014244.4); short protein forms V1161I.
Identifiers: ClinVar variation 2039262 (VCV002039262.3), dbSNP rs190267616, ClinGen allele CA3595221.